The following is an entry in ClinVar:

ClinVar aggregate classification (germline): Uncertain significance. Review status: criteria provided, multiple submitters, no conflicts (2 of 4 stars). 4 submissions from 4 submitters: Uncertain significance (4). Last evaluated 2026-05-12.

Conditions:
HSD3B7-related disorder. Also called: HSD3B7-related condition.

Allele frequency attached by ClinVar (database versions not stated): ExAC 0.00024; gnomAD exomes 0.00030 and 0.00053; gnomAD 0.00043 and 0.00045; TOPMed 0.00048; ESP Exome Variant Server 0.00092.
gnomAD v4.1: 836 of 1,613,848 alleles (0.052%); highest among the groups gnomAD compares: Non-Finnish European, 0.063%; no homozygotes.

Submissions (4):

PreventionGenetics, part of Exact Sciences
Classification: Uncertain significance for HSD3B7-related condition. Last evaluated: 2026-05-12. Review status: criteria provided, single submitter. Criteria: ACMG Guidelines, 2015. Collection method: clinical testing. Allele origin: germline.
Comment: The HSD3B7 c.329G>A variant is predicted to result in the amino acid substitution p.Arg110Gln. This variant was noted in an individual with Dubin-Johnson syndrome (DJS) who also carried a variant in the ABCC2 gene (Wu et al. 2020. PubMed ID: 32183854). This variant is reported in 0.068% of alleles in individuals of African descent in gnomAD. This variant is classified as uncertain in ClinVar (Variation ID:291021). Although we suspect that this variant may be benign, at this time, the clinical significance of this variant is uncertain due to the absence of conclusive functional and genetic evidence.

Labcorp Genetics (formerly Invitae), Labcorp
Classification: Uncertain significance. Last evaluated: 2025-11-23. Review status: criteria provided, single submitter. Criteria: Invitae Variant Classification Sherloc (09022015). Collection method: clinical testing. Allele origin: germline.
Comment: This sequence change replaces arginine, which is basic and polar, with glutamine, which is neutral and polar, at codon 110 of the HSD3B7 protein (p.Arg110Gln). This variant is present in population databases (rs141045776, gnomAD 0.06%). This variant has not been reported in the literature in individuals affected with HSD3B7-related conditions. ClinVar contains an entry for this variant (Variation ID: 291021). Invitae Evidence Modeling of protein sequence and biophysical properties (such as structural, functional, and spatial information, amino acid conservation, physicochemical variation, residue mobility, and thermodynamic stability) indicates that this missense variant is not expected to disrupt HSD3B7 protein function with a negative predictive value of 80%. In summary, the available evidence is currently insufficient to determine the role of this variant in disease. Therefore, it has been classified as a Variant of Uncertain Significance.

Mayo Clinic Laboratories, Mayo Clinic
Classification: Uncertain significance. Last evaluated: 2023-12-18. Review status: criteria provided, single submitter. Criteria: ACMG Guidelines, 2015. Collection method: clinical testing. Allele origin: germline. Observed: 1 variant allele.
Comment: BP4

Eurofins Ntd Llc (ga)
Classification: Uncertain significance. Last evaluated: 2016-08-29. Review status: criteria provided, single submitter. Criteria: EGL Classification Definitions 2015. Collection method: clinical testing. Allele origin: germline. Observed: 1 variant allele, 1 heterozygote.

Literature cited by the submitters: PubMed 32183854 (cited by Mayo Clinic Laboratories, Mayo Clinic).

NM_025193.4(HSD3B7):c.329G>A (p.Arg110Gln)

Gene: HSD3B7 (hydroxy-delta-5-steroid dehydrogenase, 3 beta- and steroid delta-isomerase 7; plus strand). Cytogenetic location: 16p11.2.
Variant type: single nucleotide variant.
Coding change: c.329G>A on transcript NM_025193.4 (MANE Select); coding-DNA position 329, G replaced by A.
Protein change: p.Arg110Gln; replaces arginine 110 with glutamine.
Molecular consequence: missense variant.
Genome position (GRCh38, 1-based): chr16:30,986,429, G>A. VCF-style: chr16-30986429-G-A. GRCh37 (hg19) VCF-style: chr16-30997750-G-A.
Other names: p.Arg110Gln; c.329G>A, p.Arg110Gln (NM_001142777.2, NM_001142778.2); c.329G>A (NM_025193.3); short protein forms R110Q.
Identifiers: ClinVar variation 291021 (VCV000291021.11), dbSNP rs141045776, ClinGen allele CA8017968.